The following is an entry in ClinVar:

ClinVar aggregate classification (germline): Likely pathogenic. Review status: criteria provided, multiple submitters, no conflicts (2 of 4 stars). 3 submissions from 3 submitters: Likely pathogenic (3). Last evaluated 2026-08-06.

Conditions:
Blood group, ER (ER). Also called: ER BLOOD GROUP SYSTEM. Identifiers: MedGen C5703066, OMIM 620207.
Lymphatic malformation 6 (LMPHM6). Also called: GENERALIZED LYMPHATIC DYSPLASIA OF FOTIOU; Lymphedema, hereditary, III; PIEZO1-related generalized lymphatic dysplasia with non-immune hydrops fetalis. Identifiers: Orphanet 568062, MedGen C4225184, MONDO:0014797, OMIM 616843.

Allele frequency attached by ClinVar (database versions not stated): TOPMed 0.00002.
gnomAD v4.1: 9 of 1,550,032 alleles (0.00058%); highest among the groups gnomAD compares: Admixed American, 0.002%; no homozygotes.

Submissions (3):

OLLIN Analises Genomicas, OLLIN
Classification: Likely pathogenic for Blood group, ER. Last evaluated: 2026-08-06. Review status: criteria provided, single submitter. Criteria: ACMG Guidelines 2015 PMID 25741868. Collection method: clinical testing. Allele origin: germline.
Comment: This nonsense variant, located in exon 38 (of 51), has been reported in ClinVar (accession VCV001049973.4) and in gnomAD with an allele frequency of 0.00058%. However, to our knowledge, it has not been reported in the scientific literature. This variant introduces a premature stop codon, which is predicted to result in either a truncated protein or degradation of the mRNA via nonsense-mediated decay (NMD). According to the currently available evidence, this variant has been classified as likely pathogenic (PVS1, PM2_P).

Laboratorio de Genética Hospitales Universitarios Virgen de las Nieves y Clínico San Cecilio (Granada, Spain), Hospitales Universitarios Virgen de las Nieves y Clínico San Cecilio (Granada, Spain)
Classification: Likely pathogenic for Lymphatic malformation 6. Last evaluated: 2024-01-24. Review status: criteria provided, single submitter. Criteria: ACMG Guidelines, 2015. Collection method: clinical testing. Allele origin: biparental. Inheritance: Autosomal recessive inheritance. Affected: yes. Observed: 1 variant allele.

CeGaT Center for Human Genetics Tuebingen
Classification: Likely pathogenic. Last evaluated: 2020-03-01. Review status: criteria provided, single submitter. Criteria: CeGaT Center For Human Genetics Tuebingen Variant Classification Criteria Version 2. Collection method: clinical testing. Allele origin: germline. Affected: yes. Observed: 1 variant allele.

Literature cited by the submitters: PMC 9305182 (cited by Laboratorio de Genética Hospitales Universitarios Virgen de las Nieves y Clínico San Cecilio (Granada, Spain), Hospitales Universitarios Virgen de las Nieves y Clínico San Cecilio (Granada, Spain)).

NM_001142864.4(PIEZO1):c.5290G>T (p.Glu1764Ter)

Gene: PIEZO1 (piezo type mechanosensitive ion channel component 1 (Er blood group); minus strand). Cytogenetic location: 16q24.3.
Variant type: single nucleotide variant.
Coding change: c.5290G>T on transcript NM_001142864.4 (MANE Select); coding-DNA position 5290, G replaced by T.
Protein change: p.Glu1764Ter; replaces glutamic acid 1764 with a stop codon.
Molecular consequence: nonsense.
Genome position (GRCh38, 1-based): chr16:88,721,651, C>A on the plus strand (G>T on the coding strand, the complement: PIEZO1 is on the minus strand). VCF-style: chr16-88721651-C-A. GRCh37 (hg19) VCF-style: chr16-88788059-C-A.
Other names: short protein forms E1764*.
Identifiers: ClinVar variation 916229 (VCV000916229.42), dbSNP rs749976222, ClinGen allele CA286409599.